The following is an entry in ClinVar:

NM_006397.3(RNASEH2A):c.*120C>T

Gene: RNASEH2A (ribonuclease H2 subunit A; plus strand). Cytogenetic location: 19p13.13.
Variant type: single nucleotide variant.
Coding change: c.*120C>T on transcript NM_006397.3 (MANE Select); 120 bases downstream of the stop codon, C replaced by T.
Molecular consequence: 3 prime UTR variant.
Genome position (GRCh38, 1-based): chr19:12,813,586, C>T. VCF-style: chr19-12813586-C-T. GRCh37 (hg19) VCF-style: chr19-12924400-C-T.
Identifiers: ClinVar variation 328302 (VCV000328302.6), dbSNP rs73925216, ClinGen allele CA10642333.

ClinVar aggregate classification (germline): Benign. Review status: criteria provided, multiple submitters, no conflicts (2 of 4 stars). 2 submissions from 2 submitters: Benign (2). Last evaluated 2018-01-13.

Conditions:
Aicardi-Goutieres syndrome 4. Identifiers: Orphanet 51, MedGen C1835912, MONDO:0012472, OMIM 610333.

Allele frequency attached by ClinVar (database versions not stated): gnomAD exomes 0.00132; gnomAD 0.01209 and 0.01285; TOPMed 0.01425; 1000 Genomes Project 30x 0.01437; 1000 Genomes Project 0.01438.
gnomAD v4.1: 3,352 of 1,265,186 alleles (0.26%); highest among the groups gnomAD compares: African/African-American, 4.2%; 60 homozygotes.

Submissions (2):

Illumina Laboratory Services, Illumina
Classification: Benign for Aicardi-Goutieres syndrome 4. Last evaluated: 2018-01-13. Review status: criteria provided, single submitter. Criteria: ICSL Variant Classification Criteria 13 December 2019. Collection method: clinical testing. Allele origin: germline.
Comment: This variant was observed in the ICSL laboratory as part of a predisposition screen in an ostensibly healthy population. It had not been previously curated by ICSL or reported in the Human Gene Mutation Database (HGMD: prior to June 1st, 2018), and was therefore a candidate for classification through an automated scoring system. Utilizing variant allele frequency, disease prevalence and penetrance estimates, and inheritance mode, an automated score was calculated to assess if this variant is too frequent to cause the disease. Based on the score and internal cut-off values, a variant classified as benign is not then subjected to further curation. The score for this variant resulted in a classification of benign for this disease.

Breakthrough Genomics
Classification: Benign. Review status: criteria provided, single submitter. Criteria: ACMG Guidelines, 2015. Collection method: not provided. Allele origin: germline. Inheritance: Autosomal recessive inheritance. Affected: yes.